The following is an entry in ClinVar:

NM_001330700.2(TOP2B):c.2656C>T (p.Pro886Ser)

Gene: TOP2B (DNA topoisomerase II beta; minus strand). Cytogenetic location: 3p24.2.
Variant type: single nucleotide variant.
Coding change: c.2656C>T on transcript NM_001330700.2 (MANE Select); coding-DNA position 2656, C replaced by T.
Protein change: p.Pro886Ser; replaces proline 886 with serine.
Molecular consequence: missense variant.
Genome position (GRCh38, 1-based): chr3:25,623,586, G>A on the plus strand (C>T on the coding strand, the complement: TOP2B is on the minus strand). VCF-style: chr3-25623586-G-A. GRCh37 (hg19) VCF-style: chr3-25665077-G-A.
Other names: c.2641C>T, p.Pro881Ser (NM_001068.3); short protein forms P881S, P886S.
Identifiers: ClinVar variation 4735964 (VCV004735964.1).
Genomic context (GRCh38, chr3:25,623,586, plus strand): 5'-GATCCAGGCCATCTAGCATTCGTCTGACATTGTTCACAATTTCCCTAGCATCATAGTTGG[G>A]TAGTTTACAAGCCCATCCAGTACCAATGCCCTCAGCACCATTTATTAAAACCATGGGAAT-3'
Protein context (NP_001317629.1, residues 876-896): GIGTGWACKL[Pro886Ser]NYDAREIVNN

ClinVar aggregate classification (germline): Uncertain significance (1 of 4 stars; one submission).

Submission:

Labcorp Genetics (formerly Invitae), Labcorp
Classification: Uncertain significance. Last evaluated: 2026-01-21. Review status: criteria provided, single submitter. Criteria: Invitae Variant Classification Sherloc (09022015). Collection method: clinical testing. Allele origin: germline.
Comment: This sequence change replaces proline, which is neutral and non-polar, with serine, which is neutral and polar, at codon 881 of the TOP2B protein (p.Pro881Ser). This variant is not present in population databases (gnomAD no frequency). This variant has not been reported in the literature in individuals affected with TOP2B-related conditions. An algorithm developed to predict the effect of missense changes on protein structure and function (PolyPhen-2) suggests that this variant is likely to be disruptive. In summary, the available evidence is currently insufficient to determine the role of this variant in disease. Therefore, it has been classified as a Variant of Uncertain Significance.